The following is an entry in ClinVar:

NM_000069.3(CACNA1S):c.1233-15T>C

Gene: CACNA1S (calcium voltage-gated channel subunit alpha1 S; minus strand). Cytogenetic location: 1q32.1.
Variant type: single nucleotide variant.
Coding change: c.1233-15T>C on transcript NM_000069.3 (MANE Select); 15 bases into the intron before coding-DNA position 1233, T replaced by C.
Molecular consequence: intron variant.
Genome position (GRCh38, 1-based): chr1:201,083,337, A>G on the plus strand (T>C on the coding strand, the complement: CACNA1S is on the minus strand). VCF-style: chr1-201083337-A-G. GRCh37 (hg19) VCF-style: chr1-201052465-A-G.
Identifiers: ClinVar variation 1597646 (VCV001597646.11), dbSNP rs376591072, ClinGen allele CA078060.

ClinVar aggregate classification (germline): Likely benign. Review status: criteria provided, multiple submitters, no conflicts (2 of 4 stars). 4 submissions from 4 submitters: Likely benign (4). Last evaluated 2025-08-18.

Conditions:
Malignant hyperthermia, susceptibility to, 5 (MHS5). Also called: CACNA1S-Related Malignant Hyperthermia Susceptibility. Identifiers: Orphanet 423, MedGen C1866077, MONDO:0011163, OMIM 601887.
Hypokalemic periodic paralysis, type 1. Also called: HypoPP; Hypokalemic Periodic Paralysis Type 1 (AD). Identifiers: Orphanet 681, MedGen C3714580, MONDO:0042979, OMIM 170400.

Allele frequency attached by ClinVar (database versions not stated): gnomAD 0.00001; TOPMed 0.00003; gnomAD exomes 0.00005 and 0.00007; ExAC 0.00008; ESP Exome Variant Server 0.00008.
gnomAD v4.1: 103 of 1,613,922 alleles (0.0064%); highest among the groups gnomAD compares: Non-Finnish European, 0.0084%; no homozygotes.

Submissions (4):

Labcorp Genetics (formerly Invitae), Labcorp
Classification: Likely benign for Hypokalemic periodic paralysis, type 1; Malignant hyperthermia, susceptibility to, 5. Last evaluated: 2025-08-18. Review status: criteria provided, single submitter. Criteria: Invitae Variant Classification Sherloc (09022015). Collection method: clinical testing. Allele origin: germline.

All of Us Research Program, National Institutes of Health
Classification: Likely benign for Malignant hyperthermia, susceptibility to, 5. Last evaluated: 2024-01-11. Review status: criteria provided, single submitter. Criteria: ACMG Guidelines, 2015. Collection method: clinical testing. Allele origin: germline. Inheritance: Autosomal dominant inheritance. Observed: 7 variant alleles, 7 heterozygotes.
Comment: This study involves interpretation of variants in research participants for the purpose of population health screening. Participant phenotype was not available at the time of variant classification. Additional details can be found in publication PMID: 35346344, PMCID: PMC8962531

Color Diagnostics, LLC DBA Color Health
Classification: Likely benign for Malignant hyperthermia, susceptibility to, 5. Last evaluated: 2023-01-17. Review status: criteria provided, single submitter. Criteria: ACMG Guidelines, 2015. Collection method: clinical testing. Allele origin: germline.

Blueprint Genetics
Classification: Likely benign. Last evaluated: 2020-02-19. Review status: criteria provided, single submitter. Criteria: ACMG Guidelines, 2015. Collection method: clinical testing. Allele origin: germline.